The following is an entry in ClinVar:

ClinVar aggregate classification (germline): Uncertain significance (1 of 4 stars; one submission).

Conditions:
Early Myoclonic Encephalopathy. Identifiers: MedGen C0270855.

Submission:

Labcorp Genetics (formerly Invitae), Labcorp
Classification: Uncertain significance for Early Myoclonic Encephalopathy. Last evaluated: 2023-11-02. Review status: criteria provided, single submitter. Criteria: Invitae Variant Classification Sherloc (09022015). Collection method: clinical testing. Allele origin: germline.
Comment: This sequence change replaces lysine, which is basic and polar, with threonine, which is neutral and polar, at codon 1552 of the JMJD1C protein (p.Lys1552Thr). This variant is not present in population databases (gnomAD no frequency). This variant has not been reported in the literature in individuals affected with JMJD1C-related conditions. Advanced modeling of protein sequence and biophysical properties (such as structural, functional, and spatial information, amino acid conservation, physicochemical variation, residue mobility, and thermodynamic stability) performed at Invitae indicates that this missense variant is expected to disrupt JMJD1C protein function with a positive predictive value of 80%. In summary, the available evidence is currently insufficient to determine the role of this variant in disease. Therefore, it has been classified as a Variant of Uncertain Significance.

NM_032776.3(JMJD1C):c.4655A>C (p.Lys1552Thr)

Gene: JMJD1C (jumonji domain containing 1C; minus strand). Cytogenetic location: 10q21.3.
Variant type: single nucleotide variant.
Coding change: c.4655A>C on transcript NM_032776.3 (MANE Select); coding-DNA position 4655, A replaced by C.
Protein change: p.Lys1552Thr; replaces lysine 1552 with threonine.
Molecular consequence: missense variant. On other transcripts: non-coding transcript variant (1).
Genome position (GRCh38, 1-based): chr10:63,207,014, T>G on the plus strand (A>C on the coding strand, the complement: JMJD1C is on the minus strand). VCF-style: chr10-63207014-T-G. GRCh37 (hg19) VCF-style: chr10-64966774-T-G.
Other names: c.4109A>C, p.Lys1370Thr (NM_001282948.2, NM_001318154.2); c.3791A>C, p.Lys1264Thr (NM_001318153.2); c.4541A>C, p.Lys1514Thr (NM_001322252.2); c.3998A>C, p.Lys1333Thr (NM_001322254.2, NM_001322258.2); short protein forms K1333T, K1552T, K1264T, K1370T, K1514T.
Identifiers: ClinVar variation 2767512 (VCV002767512.3), dbSNP rs1361358487, ClinGen allele CA377036904.